The following is an entry in ClinVar:

NM_000235.4(LIPA):c.382A>T (p.Lys128Ter)

Gene: LIPA (lipase A, lysosomal acid type; minus strand). Cytogenetic location: 10q23.31.
Variant type: single nucleotide variant.
Coding change: c.382A>T on transcript NM_000235.4 (MANE Select); coding-DNA position 382, A replaced by T.
Protein change: p.Lys128Ter; replaces lysine 128 with a stop codon.
Molecular consequence: nonsense.
Genome position (GRCh38, 1-based): chr10:89,228,246, T>A on the plus strand (A>T on the coding strand, the complement: LIPA is on the minus strand). VCF-style: chr10-89228246-T-A. GRCh37 (hg19) VCF-style: chr10-90988003-T-A.
Other names: c.382A>T, p.Lys128Ter (NM_001127605.3); c.34A>T, p.Lys12Ter (NM_001288979.2); short protein forms K12*, K128*.
Identifiers: ClinVar variation 3729495 (VCV003729495.2).

ClinVar aggregate classification (germline): Pathogenic (1 of 4 stars; one submission).

Conditions:
Wolman disease (WOLD). Also called: Acid cholesteryl ester hydrolase deficiency, Wolman type; Acid lipase disease; Wolman disease, CESD; Wolman disease with hypolipoproteinemia and acanthocytosis; LYSOSOMAL ACID LIPASE DEFICIENCY, ACUTE INFANTILE; LYSOSOMAL ACID LIPASE DEFICIENCY, COMPLETE. Identifiers: Orphanet 75233, MedGen C0043208, MONDO:0019148, OMIM 620151.

Submission:

Labcorp Genetics (formerly Invitae), Labcorp
Classification: Pathogenic for Wolman disease. Last evaluated: 2025-01-23. Review status: criteria provided, single submitter. Criteria: Invitae Variant Classification Sherloc (09022015). Collection method: clinical testing. Allele origin: germline.
Comment: This sequence change creates a premature translational stop signal (p.Lys128*) in the LIPA gene. It is expected to result in an absent or disrupted protein product. Loss-of-function variants in LIPA are known to be pathogenic (PMID: 23485521). This variant is not present in population databases (gnomAD no frequency). This variant has not been reported in the literature in individuals affected with LIPA-related conditions. Algorithms developed to predict the effect of sequence changes on RNA splicing suggest that this variant may disrupt the consensus splice site. For these reasons, this variant has been classified as Pathogenic.

Literature cited by the submitters: PubMed 23485521.